The following is an entry in ClinVar:

NM_022124.6(CDH23):c.9895del (p.Ser3299fs)

Gene: CDH23 (cadherin related 23; plus strand). Cytogenetic location: 10q22.1.
Variant type: Deletion.
Coding change: c.9895del on transcript NM_022124.6 (MANE Select); coding-DNA position 9895, one base deleted (A; older notation c.9895delA).
Protein change: p.Ser3299fs; shifts the reading frame from serine 3299.
Molecular consequence: frameshift variant.
Genome position (GRCh38, 1-based): chr10:71,815,108, A deleted. VCF-style (leftmost placement, unchanged base first): chr10-71815107-CA-C. GRCh37 (hg19) VCF-style: chr10-73574864-CA-C.
Other names: c.3175del, p.Ser1059fs (NM_001171933.1); c.3070del, p.Ser1024fs (NM_001171934.1); c.586del, p.Ser196fs (NM_001171935.1); c.481del, p.Ser161fs (NM_001171936.1); short protein forms S1024fs, S1059fs, S161fs, S196fs, S3299fs.
Identifiers: ClinVar variation 4540110 (VCV004540110.1).

ClinVar aggregate classification (germline): Uncertain significance (1 of 4 stars; one submission).

Submission:

GeneDx
Classification: Uncertain significance. Last evaluated: 2025-06-23. Review status: criteria provided, single submitter. Criteria: GeneDx Variant Classification Process June 2021. Collection method: clinical testing. Allele origin: germline. Affected: yes.
Comment: Frameshift variant predicted to result in abnormal protein length as the last 56 amino acid(s) are replaced with 16 different amino acid(s); Not observed at significant frequency in large population cohorts (gnomAD); Has not been previously published as pathogenic or benign to our knowledge